The following is an entry in ClinVar:

ClinVar aggregate classification (germline): Pathogenic. Review status: reviewed by expert panel (3 of 4 stars). 2 submissions from 2 submitters: Pathogenic (1). 1 of the submissions does not count toward it. Last evaluated 2016-09-08.

Conditions:
Breast-ovarian cancer, familial, susceptibility to, 1 (BROVCA1). Also called: OVARIAN CANCER, SUSCEPTIBILITY TO; BRCA1 Hereditary Breast and Ovarian Cancer. Identifiers: Orphanet 145, MedGen C2676676, MONDO:0011450, OMIM 604370. Disease mechanism: loss of function.
Familial cancer of breast. Also called: BREAST CANCER, FAMILIAL; Hereditary breast cancer; hereditary breast carcinoma. Identifiers: Orphanet 227535, MedGen C0346153, MONDO:0016419, OMIM 114480. Disease mechanism: loss of function.

Submissions (2):

Evidence-based Network for the Interpretation of Germline Mutant Alleles (ENIGMA)
Classification: Pathogenic for Breast-ovarian cancer, familial, susceptibility to, 1. Last evaluated: 2016-09-08. Review status: reviewed by expert panel. Criteria: ENIGMA BRCA1/2 Classification Criteria (2015). Collection method: curation. Allele origin: germline.
Comment: Variant allele predicted to encode a truncated non-functional protein.

GeneDx
Classification: Pathogenic for Familial cancer of breast. Last evaluated: 2014-10-07. Review status: criteria provided, single submitter. Criteria: GeneDx Variant Classification (06012015). Collection method: clinical testing. Allele origin: germline. Affected: yes. Not counted in ClinVar's aggregate classification.
Comment: This deletion of one nucleotide in BRCA1 is denoted c.2938delA at the cDNA level and p.Ile980TyrfsX20 (I980YfsX20) at the protein level. The normal sequence, with the bases that are deleted in brackets, is TCGT{A}TACC. The deletion causes a frameshift, which changes an Isoleucine to a Tyrosine at codon 980 in exon 10, and creates a premature stop codon at position 20 of the new reading frame. This mutation is also known as BRCA1 c.2938del or 3057delA using alternate nomenclature. Although this mutation has not, to our knowledge, been reported in the literature, it is predicted to cause loss of normal protein function through either protein truncation or nonsense-mediated mRNA decay. We consider this mutation to be pathogenic. and is indicative of Hereditary Breast and Ovarian Cancer (HBOC), an autosomal dominant condition that predisposes to early onset breast cancer, ovarian and fallopian tube cancer, as well as other cancers. Breast and ovarian cancer are the predominant BRCA1-related cancers that unaffected female mutation carriers are at risk to develop. The lifetime risk for breast cancer is estimated to be 57 to 84% and the lifetime risk for ovarian cancer is estimated to be 24 to 54% (Antoniou 2003, Chen 2007, Ford 1998). BRCA1 mutations have also been reported in women with fallopian tube carcinoma, primary peritoneal carcinoma, and uterine serous carcinoma (Levine 2003, Pennington 2013). Graeser et al. (2009) found that women who harbor a pathogenic BRCA1 mutation have an increased risk for contralateral breast cancer that is dependent on age at initial diagnosis. It is estimated that the risk to develop a second breast cancer within 10 years of the first diagnosis if initially diagnosed less than age 40 years of age is 31%, between the ages of 40 and 50 is 11% and after the age of 50 is 8%. Additionally, it is estimated that the risk to develop a second breast cancer within 25 years of their first diagnosis if initially diagnosed less than age 40 years of age is 63%, between the ages of 40 and 50 is 44% and after the age of 50 is 20%. Other cancer risks associated with a BRCA1 pathogenic variant include approximately a 20% risk for prostate cancer in male carriers (Thompson 2002), a 4% risk for male breast cancer (Liede 2004), and an estimated 1 to 3% risk for pancreatic cancer in both men and women (Brose 2002, Thompson 2002);The variant is found in BRCA1 panel(s).

NM_007294.4(BRCA1):c.2938del (p.Ile980fs)

Gene: BRCA1 (BRCA1 DNA repair associated; minus strand). Cytogenetic location: 17q21.31.
Variant type: Deletion.
Coding change: c.2938del on transcript NM_007294.4 (MANE Select); coding-DNA position 2938, one base deleted (A; older notation c.2938delA).
Protein change: p.Ile980fs; shifts the reading frame from isoleucine 980.
Molecular consequence: frameshift variant. On other transcripts: intron variant (137).
Genome position (GRCh38, 1-based): chr17:43,092,593, T deleted on the plus strand (A on the coding strand, the reverse complement: BRCA1 is on the minus strand). VCF-style (leftmost placement, unchanged base first): chr17-43092592-AT-A. GRCh37 (hg19) VCF-style: chr17-41244609-AT-A.
Other names: c.2794del, p.Ile932fs (NM_001407747.1, NM_001407748.1, NM_001407749.1 and 20 more transcripts); c.2797del, p.Ile933fs (NM_001407750.1, NM_001407751.1, NM_001407752.1 and 29 more transcripts); c.2725del, p.Ile909fs (NM_001407853.1, NM_001407894.1, NM_001407895.1 and 9 more transcripts); c.2938del, p.Ile980fs (NM_001407854.1, NM_001407858.1, NM_001407859.1 and 30 more transcripts); c.2935del, p.Ile979fs (NM_001407860.1, NM_001407861.1, NM_001407587.1 and 22 more transcripts); c.2737del, p.Ile913fs (NM_001407862.1); c.2815del, p.Ile939fs (NM_001407863.1, NM_001407919.1, NM_001407937.1 and 19 more transcripts); c.2734del, p.Ile912fs (NM_001407874.1, NM_001407875.1); and 41 more; short protein forms I980fs, I933fs, I684fs, I853fs, I932fs, I939fs, I954fs, I979fs.
Identifiers: ClinVar variation 182073 (VCV000182073.3), dbSNP rs730881439, ClinGen allele CA001920.